The following is an entry in ClinVar:

ClinVar aggregate classification (germline): Uncertain significance (1 of 4 stars; one submission).

Allele frequency attached by ClinVar (database versions not stated): TOPMed below 0.00001; gnomAD 0.00001.
gnomAD v4.1: 1 of 1,613,150 alleles (0.000062%); highest among the groups gnomAD compares: Admixed American, 0.0017%; no homozygotes.

Submission:

Labcorp Genetics (formerly Invitae), Labcorp
Classification: Uncertain significance. Last evaluated: 2024-12-02. Review status: criteria provided, single submitter. Criteria: Invitae Variant Classification Sherloc (09022015). Collection method: clinical testing. Allele origin: germline.
Comment: This sequence change replaces serine, which is neutral and polar, with leucine, which is neutral and non-polar, at codon 1156 of the PCDH12 protein (p.Ser1156Leu). This variant is not present in population databases (gnomAD no frequency). This variant has not been reported in the literature in individuals affected with PCDH12-related conditions. ClinVar contains an entry for this variant (Variation ID: 1364964). Invitae Evidence Modeling of protein sequence and biophysical properties (such as structural, functional, and spatial information, amino acid conservation, physicochemical variation, residue mobility, and thermodynamic stability) indicates that this missense variant is not expected to disrupt PCDH12 protein function with a negative predictive value of 95%. In summary, the available evidence is currently insufficient to determine the role of this variant in disease. Therefore, it has been classified as a Variant of Uncertain Significance.

NM_016580.4(PCDH12):c.3467C>T (p.Ser1156Leu)

Gene: PCDH12 (protocadherin 12; minus strand). Cytogenetic location: 5q31.3.
Variant type: single nucleotide variant.
Coding change: c.3467C>T on transcript NM_016580.4 (MANE Select); coding-DNA position 3467, C replaced by T.
Protein change: p.Ser1156Leu; replaces serine 1156 with leucine.
Molecular consequence: missense variant.
Genome position (GRCh38, 1-based): chr5:141,945,469, G>A on the plus strand (C>T on the coding strand, the complement: PCDH12 is on the minus strand). VCF-style: chr5-141945469-G-A. GRCh37 (hg19) VCF-style: chr5-141325034-G-A.
Other names: short protein forms S1156L.
Identifiers: ClinVar variation 1364964 (VCV001364964.6), dbSNP rs1489953006, ClinGen allele CA361563143.